The following is an entry in ClinVar:

ClinVar aggregate classification (germline): Uncertain significance. Review status: criteria provided, multiple submitters, no conflicts (2 of 4 stars). 2 submissions from 2 submitters: Uncertain significance (2). Last evaluated 2024-11-11.

Submissions (2):

Labcorp Genetics (formerly Invitae), Labcorp
Classification: Uncertain significance. Last evaluated: 2024-11-11. Review status: criteria provided, single submitter. Criteria: Invitae Variant Classification Sherloc (09022015). Collection method: clinical testing. Allele origin: germline.
Comment: This sequence change replaces isoleucine, which is neutral and non-polar, with threonine, which is neutral and polar, at codon 332 of the SMAD2 protein (p.Ile332Thr). This variant is not present in population databases (gnomAD no frequency). This variant has not been reported in the literature in individuals affected with SMAD2-related conditions. ClinVar contains an entry for this variant (Variation ID: 450219). An algorithm developed to predict the effect of missense changes on protein structure and function (PolyPhen-2) suggests that this variant is likely to be disruptive. In summary, the available evidence is currently insufficient to determine the role of this variant in disease. Therefore, it has been classified as a Variant of Uncertain Significance.

GeneDx
Classification: Uncertain significance. Last evaluated: 2017-07-06. Review status: criteria provided, single submitter. Criteria: GeneDx Variant Classification (06012015). Collection method: clinical testing. Allele origin: germline. Affected: yes.
Comment: The I332T variant in the SMAD2 gene has not been reported previously as a pathogenic variant, nor as a benign variant, to our knowledge. The I332T variant is not observed in large population cohorts (Lek et al., 2016; 1000 Genomes Consortium et al., 2015; Exome Variant Server). The I332T variant is a non-conservative amino acid substitution, which is likely to impact secondary protein structure as these residues differ in polarity, charge, size and/or other properties. This substitution occurs at a position that is conserved across species. In silico analysis predicts this variant is probably damaging to the protein structure/function. We interpret I332T as a variant of uncertain significance.

NM_005901.6(SMAD2):c.995T>C (p.Ile332Thr)

Gene: SMAD2 (SMAD family member 2; minus strand). Cytogenetic location: 18q21.1.
Variant type: single nucleotide variant.
Coding change: c.995T>C on transcript NM_005901.6 (MANE Select); coding-DNA position 995, T replaced by C.
Protein change: p.Ile332Thr; replaces isoleucine 332 with threonine.
Molecular consequence: missense variant.
Genome position (GRCh38, 1-based): chr18:47,848,477, A>G on the plus strand (T>C on the coding strand, the complement: SMAD2 is on the minus strand). VCF-style: chr18-47848477-A-G. GRCh37 (hg19) VCF-style: chr18-45374848-A-G.
Other names: c.995T>C, p.Ile332Thr (NM_001003652.4); c.905T>C, p.Ile302Thr (NM_001135937.3); short protein forms I332T, I302T.
Identifiers: ClinVar variation 450219 (VCV000450219.5), dbSNP rs1555645561, ClinGen allele CA402504234.